The following is an entry in ClinVar:

ClinVar aggregate classification (germline): Pathogenic (1 of 4 stars; one submission).

Conditions:
Muscular dystrophy-dystroglycanopathy (congenital with brain and eye anomalies), type A2. Also called: MUSCULAR DYSTROPHY-DYSTROGLYCANOPATHY (CONGENITAL WITH BRAIN AND EYE ANOMALIES), TYPE A, 2; WALKER-WARBURG SYNDROME OR MUSCLE-EYE-BRAIN DISEASE, POMT2-RELATED. Identifiers: Orphanet 588, Orphanet 899, MedGen C3150411, MONDO:0013154, OMIM 613150.
Autosomal recessive limb-girdle muscular dystrophy type 2N. Also called: MUSCULAR DYSTROPHY-DYSTROGLYCANOPATHY, LIMB-GIRDLE, POMT2-RELATED; Muscular dystrophy-dystroglycanopathy (limb-girdle), type C, 2. Identifiers: Orphanet 206559, MedGen C3150418, MONDO:0013162, OMIM 613158.
Muscular dystrophy-dystroglycanopathy (congenital with impaired intellectual development), type B, 2. Also called: Muscular dystrophy-dystroglycanopathy (congenital with intellectual disability), type B2; MUSCULAR DYSTROPHY, CONGENITAL, POMT2-RELATED. Identifiers: MedGen C3150416, MONDO:0013160, OMIM 613156.

Submission:

Labcorp Genetics (formerly Invitae), Labcorp
Classification: Pathogenic for Muscular dystrophy-dystroglycanopathy (congenital with impaired intellectual development), type B, 2; Muscular dystrophy-dystroglycanopathy (congenital with brain and eye anomalies), type A2; Autosomal recessive limb-girdle muscular dystrophy type 2N. Last evaluated: 2020-09-20. Review status: criteria provided, single submitter. Criteria: Invitae Variant Classification Sherloc (09022015). Collection method: clinical testing. Allele origin: germline.
Comment: For these reasons, this variant has been classified as Pathogenic. Loss-of-function variants in POMT2 are known to be pathogenic (PMID: 15894594). This variant has not been reported in the literature in individuals with POMT2-related conditions. This variant is not present in population databases (ExAC no frequency). This sequence change creates a premature translational stop signal (p.Val345Glufs*46) in the POMT2 gene. It is expected to result in an absent or disrupted protein product.

Literature cited by the submitters: PubMed 15894594.

NM_013382.7(POMT2):c.1034_1035del (p.Val345fs)

Gene: POMT2 (protein O-mannosyltransferase 2; minus strand). Cytogenetic location: 14q24.3.
Variant type: Microsatellite.
Coding change: c.1034_1035del on transcript NM_013382.7 (MANE Select); coding-DNA positions 1034 to 1035, 2 bases deleted (TG; older notation c.1034_1035delTG).
Protein change: p.Val345fs; shifts the reading frame from valine 345.
Molecular consequence: frameshift variant.
Genome position (GRCh38, 1-based): chr14:77,296,245-77,296,246, CA deleted on the plus strand (TG on the coding strand, the reverse complement: POMT2 is on the minus strand); deleting any 2 consecutive bases within chr14:77,296,245-77,296,248 gives the same sequence; the c. name uses the placement nearest the transcript's 3' end. VCF-style (leftmost placement, unchanged base first): chr14-77296244-TCA-T. GRCh37 (hg19) VCF-style: chr14-77762587-TCA-T.
Other names: short protein forms V345fs.
Identifiers: ClinVar variation 1070813 (VCV001070813.7), dbSNP rs1890825132, ClinGen allele CA964934191.
Genomic context (GRCh38, chr14:77,296,244, plus strand): 5'-TGCCCTCGGGGTAGAGGTGCCTGTGGGAGTGCAGATAGCCGATGGCCATCCGGAGGTTCT[TCA>T]CAGTGATCACAGAGCCGTAGGCCAGGTCTGGGAGGAAGGGAGACAGCAGAGGGGTGAGCT-3'